The following is an entry in ClinVar:

NM_014363.6(SACS):c.5128del (p.Asp1710fs)

Gene: SACS (sacsin molecular chaperone; minus strand). Cytogenetic location: 13q12.12.
Variant type: Deletion.
Coding change: c.5128del on transcript NM_014363.6 (MANE Select); coding-DNA position 5128, one base deleted (G; older notation c.5128delG).
Protein change: p.Asp1710fs; shifts the reading frame from aspartic acid 1710.
Molecular consequence: frameshift variant.
Genome position (GRCh38, 1-based): chr13:23,338,748, C deleted on the plus strand (G on the coding strand, the reverse complement: SACS is on the minus strand). VCF-style (leftmost placement, unchanged base first): chr13-23338747-TC-T. GRCh37 (hg19) VCF-style: chr13-23912886-TC-T.
Other names: c.4687del, p.Asp1563fs (NM_001278055.2); c.5155del, p.Asp1719fs (NM_001437336.1); short protein forms D1563fs, D1710fs, D1719fs.
Identifiers: ClinVar variation 4081792 (VCV004081792.1).

ClinVar aggregate classification (germline): Pathogenic (1 of 4 stars; one submission).

Conditions:
Charlevoix-Saguenay spastic ataxia (SACS). Also called: SPASTIC ATAXIA 6, AUTOSOMAL RECESSIVE; AUTOSOMAL RECESSIVE SPASTIC ATAXIA OF CHARLEVOIX-SAGUENAY; Spastic ataxia of Charlevoix-Saguenay. Identifiers: Orphanet 98, MedGen C1849140, MONDO:0010041, OMIM 270550.

Submission:

Myriad Genetics, Inc.
Classification: Pathogenic for Charlevoix-Saguenay spastic ataxia. Last evaluated: 2025-07-15. Review status: criteria provided, single submitter. Criteria: Myriad Autosomal Dominant, Autosomal Recessive and X-Linked Classification Criteria (2023). Collection method: clinical testing. Allele origin: unknown.
Comment: NM_014363.4(SACS):c.5128delG(D1710Ifs*3) is a frameshift variant classified as pathogenic in the context of autosomal recessive spastic ataxia of Charlevoix-Saguenay. D1710Ifs*3 has not been observed in cases with relevant disease. Relevant functional assessments of this variant are not available in the literature. D1710Ifs*3 has not been observed in referenced population frequency databases. In summary, NM_014363.4(SACS):c.5128delG(D1710Ifs*3) is a frameshift variant in a gene where loss of function is a known mechanism of disease and is predicted to disrupt protein function. Please note: this variant was assessed in the context of healthy population screening.